The following is an entry in ClinVar:

NM_000143.4(FH):c.556-2A>C

Gene: FH (fumarate hydratase; minus strand). Cytogenetic location: 1q43.
Variant type: single nucleotide variant.
Coding change: c.556-2A>C on transcript NM_000143.4 (MANE Select); the canonical splice acceptor site of the intron before coding-DNA position 556, A replaced by C.
Molecular consequence: splice acceptor variant.
Genome position (GRCh38, 1-based): chr1:241,508,787, T>G on the plus strand (A>C on the coding strand, the complement: FH is on the minus strand). VCF-style: chr1-241508787-T-G. GRCh37 (hg19) VCF-style: chr1-241672087-T-G.
Identifiers: ClinVar variation 2695103 (VCV002695103.3), dbSNP rs750273092, ClinGen allele CA345439515.

ClinVar aggregate classification (germline): Likely pathogenic (1 of 4 stars; one submission).

Allele frequency attached by ClinVar (database versions not stated): gnomAD exomes below 0.00001.
gnomAD v4.1: 1 of 1,611,298 alleles (0.000062%); highest among the groups gnomAD compares: Non-Finnish European, 0.000085%; no homozygotes.

Submission:

Labcorp Genetics (formerly Invitae), Labcorp
Classification: Likely pathogenic. Last evaluated: 2024-02-05. Review status: criteria provided, single submitter. Criteria: Invitae Variant Classification Sherloc (09022015). Collection method: clinical testing. Allele origin: germline.
Comment: This sequence change affects an acceptor splice site in intron 4 of the FH gene. It is expected to disrupt RNA splicing. Variants that disrupt the donor or acceptor splice site typically lead to a loss of protein function (PMID: 16199547), and loss-of-function variants in FH are known to be pathogenic (PMID: 11865300, 21398687). This variant is not present in population databases (gnomAD no frequency). Disruption of this splice site has been observed in individual(s) with renal cell carcinoma (PMID: 29625052, 29978187, 36451132). Algorithms developed to predict the effect of sequence changes on RNA splicing suggest that this variant may disrupt the consensus splice site. In summary, the currently available evidence indicates that the variant is pathogenic, but additional data are needed to prove that conclusively. Therefore, this variant has been classified as Likely Pathogenic.

Literature cited by the submitters: PubMed 16199547; PubMed 11865300; PubMed 21398687; PubMed 29625052; PubMed 29978187; PubMed 36451132.